The following is an entry in ClinVar:

NM_001135649.3(FOXI3):c.629A>G (p.Glu210Gly)

Gene: FOXI3 (forkhead box I3; minus strand). Cytogenetic location: 2p11.2.
Variant type: single nucleotide variant.
Coding change: c.629A>G on transcript NM_001135649.3 (MANE Select); coding-DNA position 629, A replaced by G.
Protein change: p.Glu210Gly; replaces glutamic acid 210 with glycine.
Molecular consequence: missense variant.
Genome position (GRCh38, 1-based): chr2:88,451,907, T>C on the plus strand (A>G on the coding strand, the complement: FOXI3 is on the minus strand). VCF-style: chr2-88451907-T-C. GRCh37 (hg19) VCF-style: chr2-88751426-T-C.
Other names: short protein forms E210G.
Identifiers: ClinVar variation 1417255 (VCV001417255.6), dbSNP rs749482680, ClinGen allele CA1754014.
Genomic context (GRCh38, chr2:88,451,907, plus strand): 5'-ACCCGCGTCCGCCCTCCCCGGCTGGGAAGCACCTGCCAGCGGCCCTCACCTGGGTCGTCC[T>C]CGTCGCGGGGCACCTTCTTGAAGCAGTCGTTGAGCGACAGGTTGTGGCGGATGGAGTTCT-3'
Protein context (NP_001129121.1, residues 200-220): NDCFKKVPRD[Glu210Gly]DDPGKGNYWT

ClinVar aggregate classification (germline): Uncertain significance (1 of 4 stars; one submission).

Allele frequency attached by ClinVar (database versions not stated): ExAC 0.00002; gnomAD exomes 0.00002.
gnomAD v4.1: 31 of 1,613,326 alleles (0.0019%); highest among the groups gnomAD compares: Non-Finnish European, 0.0026%; no homozygotes.

Submission:

Labcorp Genetics (formerly Invitae), Labcorp
Classification: Uncertain significance. Last evaluated: 2025-02-19. Review status: criteria provided, single submitter. Criteria: Invitae Variant Classification Sherloc (09022015). Collection method: clinical testing. Allele origin: germline.
Comment: This sequence change replaces glutamic acid, which is acidic and polar, with glycine, which is neutral and non-polar, at codon 210 of the FOXI3 protein (p.Glu210Gly). This variant is present in population databases (rs749482680, gnomAD 0.003%). This variant has not been reported in the literature in individuals affected with FOXI3-related conditions. ClinVar contains an entry for this variant (Variation ID: 1417255). Experimental studies and prediction algorithms are not available or were not evaluated, and the functional significance of this variant is currently unknown. In summary, the available evidence is currently insufficient to determine the role of this variant in disease. Therefore, it has been classified as a Variant of Uncertain Significance.